The following is an entry in ClinVar:

NM_001099287.2(NIPAL4):c.11G>A (p.Arg4Gln)

Gene: NIPAL4 (NIPA like domain containing 4; plus strand). Cytogenetic location: 5q33.3.
Variant type: single nucleotide variant.
Coding change: c.11G>A on transcript NM_001099287.2 (MANE Select); coding-DNA position 11, G replaced by A.
Protein change: p.Arg4Gln; replaces arginine 4 with glutamine.
Molecular consequence: missense variant.
Genome position (GRCh38, 1-based): chr5:157,460,331, G>A. VCF-style: chr5-157460331-G-A. GRCh37 (hg19) VCF-style: chr5-156887339-G-A.
Other names: c.11G>A, p.Arg4Gln (NM_001172292.2); short protein forms R4Q.
Identifiers: ClinVar variation 2506247 (VCV002506247.3), dbSNP rs1346137579, ClinGen allele CA361979301.

ClinVar aggregate classification (germline): Uncertain significance (1 of 4 stars; one submission).

Allele frequency attached by ClinVar (database versions not stated): gnomAD 0.00001.

Submission:

Women's Health and Genetics/Laboratory Corporation of America, LabCorp
Classification: Uncertain significance. Last evaluated: 2024-12-12. Review status: criteria provided, single submitter. Criteria: LabCorp Variant Classification Summary - May 2015. Collection method: clinical testing. Allele origin: germline.
Comment: Variant summary: NIPAL4 c.11G>A (p.Arg4Gln) results in a conservative amino acid change in the encoded protein sequence. Five of five in-silico tools predict a benign effect of the variant on protein function. The variant allele was found at a frequency of 7e-06 in 141990 control chromosomes. The available data on variant occurrences in the general population are insufficient to allow any conclusion about variant significance. To our knowledge, no occurrence of c.11G>A in individuals affected with Lamellar Icthyosis and no experimental evidence demonstrating an impact on protein function has been reported. The following publication have been ascertained in the context of this evaluation (PMID: 22992804). ClinVar contains an entry for this variant (Variation ID: 2506247). Based on the evidence outlined above, the variant was classified as uncertain significance.

Literature cited by the submitters: PubMed 22992804.